The following is an entry in ClinVar:

ClinVar aggregate classification (germline): Uncertain significance (1 of 4 stars; one submission).

Conditions:
Gorlin syndrome. Also called: Basal cell nevus syndrome; Nevoid Basal Cell Carcinoma Syndrome. Identifiers: Orphanet 377, MedGen C0004779, MONDO:0007187.

Allele frequency attached by ClinVar (database versions not stated): gnomAD 0.00001 and 0.00002; TOPMed 0.00002; ExAC 0.00007; gnomAD exomes 0.00008.

Submission:

Labcorp Genetics (formerly Invitae), Labcorp
Classification: Uncertain significance for Gorlin syndrome. Last evaluated: 2026-01-19. Review status: criteria provided, single submitter. Criteria: Invitae Variant Classification Sherloc (09022015). Collection method: clinical testing. Allele origin: germline.
Comment: This sequence change replaces arginine, which is basic and polar, with cysteine, which is neutral and slightly polar, at codon 786 of the PTCH2 protein (p.Arg786Cys). This variant is present in population databases (rs756422449, gnomAD 0.06%), and has an allele count higher than expected for a pathogenic variant. This variant has not been reported in the literature in individuals affected with PTCH2-related conditions. ClinVar contains an entry for this variant (Variation ID: 1059211). Invitae Evidence Modeling of protein sequence and biophysical properties (such as structural, functional, and spatial information, amino acid conservation, physicochemical variation, residue mobility, and thermodynamic stability) indicates that this missense variant is not expected to disrupt PTCH2 protein function with a negative predictive value of 80%. In summary, the available evidence is currently insufficient to determine the role of this variant in disease. Therefore, it has been classified as a Variant of Uncertain Significance.

NM_003738.5(PTCH2):c.2356C>T (p.Arg786Cys)

Gene: PTCH2 (patched 2; minus strand). Cytogenetic location: 1p34.1.
Variant type: single nucleotide variant.
Coding change: c.2356C>T on transcript NM_003738.5 (MANE Select); coding-DNA position 2356, C replaced by T.
Protein change: p.Arg786Cys; replaces arginine 786 with cysteine.
Molecular consequence: missense variant.
Genome position (GRCh38, 1-based): chr1:44,827,417, G>A on the plus strand (C>T on the coding strand, the complement: PTCH2 is on the minus strand). VCF-style: chr1-44827417-G-A. GRCh37 (hg19) VCF-style: chr1-45293089-G-A.
Other names: c.2356C>T, p.Arg786Cys (NM_001166292.2); short protein forms R786C.
Identifiers: ClinVar variation 1059211 (VCV001059211.9), dbSNP rs756422449, ClinGen allele CA823047.